The following is an entry in ClinVar:

NM_173354.5(SIK1):c.1833G>T (p.Gln611His)

Gene: SIK1 (salt inducible kinase 1; minus strand). Cytogenetic location: 21q22.3.
Variant type: single nucleotide variant.
Coding change: c.1833G>T on transcript NM_173354.5 (MANE Select); coding-DNA position 1833, G replaced by T.
Protein change: p.Gln611His; replaces glutamine 611 with histidine.
Molecular consequence: missense variant.
Genome position (GRCh38, 1-based): chr21:43,417,686, C>A on the plus strand (G>T on the coding strand, the complement: SIK1 is on the minus strand). VCF-style: chr21-43417686-C-A. GRCh37 (hg19) VCF-style: chr21-44837566-C-A.
Other names: short protein forms Q611H.
Identifiers: ClinVar variation 936152 (VCV000936152.10), dbSNP rs2081038632, ClinGen allele CA410607201.

ClinVar aggregate classification (germline): Uncertain significance (1 of 4 stars; one submission).

Conditions:
Developmental and epileptic encephalopathy, 30 (DEE30). Also called: Epileptic encephalopathy, early infantile, 30. Identifiers: MedGen C4225360, MONDO:0014595, OMIM 616341.

Submission:

Labcorp Genetics (formerly Invitae), Labcorp
Classification: Uncertain significance for Developmental and epileptic encephalopathy, 30. Last evaluated: 2019-08-08. Review status: criteria provided, single submitter. Criteria: Invitae Variant Classification Sherloc (09022015). Collection method: clinical testing. Allele origin: germline.
Comment: Algorithms developed to predict the effect of missense changes on protein structure and function are either unavailable or do not agree on the potential impact of this missense change (SIFT: "Deleterious"; PolyPhen-2: "Benign"; Align-GVGD: "Class C0"). This sequence change replaces glutamine with histidine at codon 611 of the SIK1 protein (p.Gln611His). The glutamine residue is highly conserved and there is a small physicochemical difference between glutamine and histidine. This variant is not present in population databases (ExAC no frequency). This variant has not been reported in the literature in individuals with SIK1-related conditions. In summary, the available evidence is currently insufficient to determine the role of this variant in disease. Therefore, it has been classified as a Variant of Uncertain Significance.